The following is an entry in ClinVar:

NM_001793.6(CDH3):c.1391C>T (p.Ala464Val)

Gene: CDH3 (cadherin 3; plus strand). Cytogenetic location: 16q22.1.
Variant type: single nucleotide variant.
Coding change: c.1391C>T on transcript NM_001793.6 (MANE Select); coding-DNA position 1391, C replaced by T.
Protein change: p.Ala464Val; replaces alanine 464 with valine.
Molecular consequence: missense variant.
Genome position (GRCh38, 1-based): chr16:68,684,791, C>T. VCF-style: chr16-68684791-C-T. GRCh37 (hg19) VCF-style: chr16-68718694-C-T.
Other names: c.1391C>T, p.Ala464Val (NM_001317195.3); c.1226C>T, p.Ala409Val (NM_001317196.2); short protein forms A464V, A409V.
Identifiers: ClinVar variation 2089532 (VCV002089532.4), dbSNP rs1313813406, ClinGen allele CA396454149.

ClinVar aggregate classification (germline): Uncertain significance (1 of 4 stars; one submission).

Allele frequency attached by ClinVar (database versions not stated): TOPMed below 0.00001; gnomAD 0.00001; gnomAD exomes 0.00002.
gnomAD v4.1: 13 of 1,614,016 alleles (0.00081%); highest among the groups gnomAD compares: Non-Finnish European, 0.00059%; no homozygotes.

Submission:

Labcorp Genetics (formerly Invitae), Labcorp
Classification: Uncertain significance. Last evaluated: 2022-07-19. Review status: criteria provided, single submitter. Criteria: Invitae Variant Classification Sherloc (09022015). Collection method: clinical testing. Allele origin: germline.
Comment: In summary, the available evidence is currently insufficient to determine the role of this variant in disease. Therefore, it has been classified as a Variant of Uncertain Significance. Algorithms developed to predict the effect of missense changes on protein structure and function are either unavailable or do not agree on the potential impact of this missense change (SIFT: "Not Available"; PolyPhen-2: "Probably Damaging"; Align-GVGD: "Not Available"). This variant has not been reported in the literature in individuals affected with CDH3-related conditions. This variant is present in population databases (no rsID available, gnomAD 0.0009%). This sequence change replaces alanine, which is neutral and non-polar, with valine, which is neutral and non-polar, at codon 464 of the CDH3 protein (p.Ala464Val).